The following is an entry in ClinVar:

NM_014611.3(MDN1):c.8244G>A (p.Trp2748Ter)

Gene: MDN1 (midasin AAA ATPase 1; minus strand). Cytogenetic location: 6q15.
Variant type: single nucleotide variant.
Coding change: c.8244G>A on transcript NM_014611.3 (MANE Select); coding-DNA position 8244, G replaced by A.
Protein change: p.Trp2748Ter; replaces tryptophan 2748 with a stop codon.
Molecular consequence: nonsense.
Genome position (GRCh38, 1-based): chr6:89,701,966, C>T on the plus strand (G>A on the coding strand, the complement: MDN1 is on the minus strand). VCF-style: chr6-89701966-C-T. GRCh37 (hg19) VCF-style: chr6-90411685-C-T.
Other names: short protein forms W2748*.
Identifiers: ClinVar variation 3348958 (VCV003348958.1).

ClinVar aggregate classification (germline): Uncertain significance (0 of 4 stars; one submission).

Conditions:
MDN1-related disorder. Also called: MDN1-related condition.

Submission:

PreventionGenetics, part of Exact Sciences
Classification: Uncertain significance for MDN1-related condition. Last evaluated: 2024-03-04. Review status: no assertion criteria provided. Collection method: clinical testing. Allele origin: germline.
Comment: The MDN1 c.8244G>A variant is predicted to result in premature protein termination (p.Trp2748*). To our knowledge, this variant has not been reported in the literature or in a large population database, indicating this variant is rare. At this time, the clinical significance of this variant is uncertain due to the absence of conclusive functional and genetic evidence.